The following is an entry in ClinVar:

NM_004655.4(AXIN2):c.2079G>A (p.Thr693=)

Gene: AXIN2 (axin 2; minus strand). Cytogenetic location: 17q24.1.
Variant type: single nucleotide variant.
Coding change: c.2079G>A on transcript NM_004655.4 (MANE Select); coding-DNA position 2079, G replaced by A.
Protein change: p.Thr693=; no amino-acid change (threonine 693 retained).
Molecular consequence: synonymous variant.
Genome position (GRCh38, 1-based): chr17:65,536,382, C>T on the plus strand (G>A on the coding strand, the complement: AXIN2 is on the minus strand). VCF-style: chr17-65536382-C-T. GRCh37 (hg19) VCF-style: chr17-63532500-C-T.
Other names: c.1884G>A, p.Thr628= (NM_001363813.1); c.2079G>A (LRG_296t1).
Identifiers: ClinVar variation 388544 (VCV000388544.11), dbSNP rs551098654, ClinGen allele CA16607824.

ClinVar aggregate classification (germline): Benign/Likely benign. Review status: criteria provided, multiple submitters, no conflicts (2 of 4 stars). 5 submissions from 5 submitters: Benign (1); Likely benign (4). Last evaluated 2025-09-02.

Conditions:
Hereditary cancer-predisposing syndrome. Also called: Hereditary Cancer Syndrome; Hereditary neoplastic syndrome; Neoplastic Syndromes, Hereditary; Tumor predisposition. Identifiers: Orphanet 140162, MedGen C0027672, MeSH D009386, MONDO:0015356.
Oligodontia-cancer predisposition syndrome. Also called: TOOTH AGENESIS-COLORECTAL CANCER SYNDROME. Identifiers: Orphanet 300576, MedGen C1837750, MONDO:0012075, OMIM 608615. Disease mechanism: loss of function.

Allele frequency attached by ClinVar (database versions not stated): gnomAD 0.00001.
gnomAD v4.1: 7 of 1,613,602 alleles (0.00043%); highest among the groups gnomAD compares: South Asian, 0.0033%; no homozygotes.

Submissions (5):

Labcorp Genetics (formerly Invitae), Labcorp
Classification: Likely benign for Oligodontia-cancer predisposition syndrome. Last evaluated: 2025-09-02. Review status: criteria provided, single submitter. Criteria: Invitae Variant Classification Sherloc (09022015). Collection method: clinical testing. Allele origin: germline.

Myriad Genetics, Inc.
Classification: Benign for Oligodontia-cancer predisposition syndrome. Last evaluated: 2024-07-09. Review status: criteria provided, single submitter. Criteria: Myriad Autosomal Dominant, Autosomal Recessive and X-Linked Classification Criteria (2023). Collection method: clinical testing. Allele origin: unknown.
Comment: This variant is considered benign. This variant is a silent/synonymous amino acid change and it is not expected to impact splicing.

Quest Diagnostics Nichols Institute San Juan Capistrano
Classification: Likely benign. Last evaluated: 2023-03-26. Review status: criteria provided, single submitter. Criteria: Quest Diagnostics criteria. Collection method: clinical testing. Allele origin: unknown.

Ambry Genetics
Classification: Likely benign for Hereditary cancer-predisposing syndrome. Last evaluated: 2020-08-06. Review status: criteria provided, single submitter. Criteria: Ambry Variant Classification Scheme 2023. Collection method: clinical testing. Allele origin: germline.

GeneDx
Classification: Likely benign. Last evaluated: 2016-08-11. Review status: criteria provided, single submitter. Criteria: GeneDx Variant Classification (06012015). Collection method: clinical testing. Allele origin: germline. Affected: yes.
Comment: This variant is considered likely benign or benign based on one or more of the following criteria: it is a conservative change, it occurs at a poorly conserved position in the protein, it is predicted to be benign by multiple in silico algorithms, and/or has population frequency not consistent with disease.